The following is an entry in ClinVar:

ClinVar aggregate classification (germline): Likely benign (1 of 4 stars; one submission).

Allele frequency attached by ClinVar (database versions not stated): ExAC 0.00003; gnomAD exomes 0.00005; TOPMed 0.00005; gnomAD 0.00006.
gnomAD v4.1: 89 of 1,577,316 alleles (0.0056%); highest among the groups gnomAD compares: Non-Finnish European, 0.0069%; no homozygotes.

Submission:

CeGaT Center for Human Genetics Tuebingen
Classification: Likely benign. Last evaluated: 2023-02-01. Review status: criteria provided, single submitter. Criteria: CeGaT Center For Human Genetics Tuebingen Variant Classification Criteria Version 2. Collection method: clinical testing. Allele origin: germline. Affected: yes. Observed: 1 variant allele.
Comment: DNAH17: BP4, BP7

NM_173628.4(DNAH17):c.5478T>G (p.Thr1826=)

Genes: DNAH17 (dynein axonemal heavy chain 17; minus strand), DNAH17-AS1 (DNAH17 antisense RNA 1; plus strand). Cytogenetic location: 17q25.3.
Variant type: single nucleotide variant.
Coding change: c.5478T>G on transcript NM_173628.4 (MANE Select); coding-DNA position 5478, T replaced by G.
Protein change: p.Thr1826=; no amino-acid change (threonine 1826 retained).
Molecular consequence: synonymous variant. On other transcripts: non-coding transcript variant (1).
Genome position (GRCh38, 1-based): chr17:78,501,189, A>C on the plus strand (T>G on the coding strand, the complement: DNAH17 is on the minus strand). VCF-style: chr17-78501189-A-C. GRCh37 (hg19) VCF-style: chr17-76497271-A-C.
Identifiers: ClinVar variation 2648366 (VCV002648366.24), dbSNP rs574892277, ClinGen allele CA8803251.